The following is an entry in ClinVar:

ClinVar aggregate classification (germline): Likely benign (1 of 4 stars; one submission).

Submission:

CeGaT Center for Human Genetics Tuebingen
Classification: Likely benign. Last evaluated: 2025-10-01. Review status: criteria provided, single submitter. Criteria: CeGaT Center For Human Genetics Tuebingen Variant Classification Criteria Version 2. Collection method: clinical testing. Allele origin: germline. Affected: yes. Observed: 1 variant allele.
Comment: CREBBP: PM2:Supporting, BP4, BP7

NM_004380.3(CREBBP):c.3345A>G (p.Val1115=)

Gene: CREBBP (CREB binding lysine acetyltransferase; minus strand). Cytogenetic location: 16p13.3.
Variant type: single nucleotide variant.
Coding change: c.3345A>G on transcript NM_004380.3 (MANE Select); coding-DNA position 3345, A replaced by G.
Protein change: p.Val1115=; no amino-acid change (valine 1115 retained).
Molecular consequence: synonymous variant.
Genome position (GRCh38, 1-based): chr16:3,758,878, T>C on the plus strand (A>G on the coding strand, the complement: CREBBP is on the minus strand). VCF-style: chr16-3758878-T-C. GRCh37 (hg19) VCF-style: chr16-3808879-T-C.
Other names: c.3231A>G, p.Val1077= (NM_001079846.1).
Identifiers: ClinVar variation 4533984 (VCV004533984.6).